The following is an entry in ClinVar:

ClinVar aggregate classification (germline): Pathogenic. Review status: criteria provided, multiple submitters, no conflicts (2 of 4 stars). 2 submissions from 2 submitters: Pathogenic (2). Last evaluated 2026-08-11.

Conditions:
Familial adenomatous polyposis 1 (FAP1). Also called: FAMILIAL ADENOMATOUS POLYPOSIS 1, ATTENUATED; POLYPOSIS, ADENOMATOUS INTESTINAL. Identifiers: MedGen C2713442, MONDO:0021056, OMIM 175100. Disease mechanism: loss of function.
Hereditary cancer-predisposing syndrome. Also called: Hereditary Cancer Syndrome; Tumor predisposition; Hereditary neoplastic syndrome; Neoplastic Syndromes, Hereditary. Identifiers: Orphanet 140162, MedGen C0027672, MeSH D009386, MONDO:0015356.

Submissions (2):

Ambry Genetics
Classification: Pathogenic for Hereditary cancer-predisposing syndrome. Last evaluated: 2026-08-11. Review status: criteria provided, single submitter. Criteria: Ambry Variant Classification Scheme 2023. Collection method: clinical testing. Allele origin: germline.
Comment: The c.1415dupT variant, located in coding exon 11 of the APC gene, results from a duplication of T at nucleotide position 1415, causing a translational frameshift with a predicted alternate stop codon (p.Q473Tfs*12). This alteration is expected to result in loss of function by premature protein truncation or nonsense-mediated mRNA decay. This variant is considered to be rare based on population cohorts in the Genome Aggregation Database (gnomAD). As such, this alteration is interpreted as a disease-causing mutation.

Labcorp Genetics (formerly Invitae), Labcorp
Classification: Pathogenic for Familial adenomatous polyposis 1. Last evaluated: 2018-05-15. Review status: criteria provided, single submitter. Criteria: Invitae Variant Classification Sherloc (09022015). Collection method: clinical testing. Allele origin: germline.
Comment: For these reasons, this variant has been classified as Pathogenic. Loss-of-function variants in APC are known to be pathogenic (PMID: 17963004, 20685668). This variant has been reported in an individual affected with familial adenomatous polyposis (PMID: 23159591). This variant is not present in population databases (ExAC no frequency). This sequence change creates a premature translational stop signal (p.Gln473Thrfs*12) in the APC gene. It is expected to result in an absent or disrupted protein product.

Literature cited by the submitters: PubMed 17963004 (cited by Labcorp Genetics (formerly Invitae), Labcorp); PubMed 20685668 (cited by Labcorp Genetics (formerly Invitae), Labcorp); PubMed 23159591 (cited by Labcorp Genetics (formerly Invitae), Labcorp).

NM_000038.6(APC):c.1415dup (p.Gln473fs)

Gene: APC (APC regulator of Wnt signaling pathway; plus strand). Cytogenetic location: 5q22.2.
Variant type: Duplication.
Coding change: c.1415dup on transcript NM_000038.6 (MANE Select); coding-DNA position 1415, one base duplicated (T; older notation c.1415dupT).
Protein change: p.Gln473fs; shifts the reading frame from glutamine 473.
Molecular consequence: frameshift variant.
Genome position (GRCh38, 1-based): chr5:112,827,114, T duplicated. VCF-style (leftmost placement, unchanged base first): chr5-112827113-C-CT. GRCh37 (hg19) VCF-style: chr5-112162810-C-CT.
Other names: c.1415dupT (NM_000038.5); c.935dup, p.Gln313fs (NM_001354905.2); c.566dup, p.Gln190fs (NM_001354906.2); c.1415dup, p.Gln473fs (NM_001127510.3, NM_001354895.2); c.1361dup, p.Gln455fs (NM_001127511.3); c.1469dup, p.Gln491fs (NM_001354896.2); c.1445dup, p.Gln483fs (NM_001354897.2); c.1340dup, p.Gln448fs (NM_001354898.2); and 6 more; short protein forms Q190fs, Q382fs, Q432fs, Q445fs, Q473fs, Q483fs, Q372fs, Q448fs.
Identifiers: ClinVar variation 566060 (VCV000566060.11), dbSNP rs1561553403, ClinGen allele CA891842536.